The following is an entry in ClinVar:

NM_000059.4(BRCA2):c.3555A>G (p.Thr1185=)

Gene: BRCA2 (BRCA2 DNA repair associated; plus strand). Cytogenetic location: 13q13.1.
Variant type: single nucleotide variant.
Coding change: c.3555A>G on transcript NM_000059.4 (MANE Select); coding-DNA position 3555, A replaced by G.
Protein change: p.Thr1185=; no amino-acid change (threonine 1185 retained).
Molecular consequence: synonymous variant.
Genome position (GRCh38, 1-based): chr13:32,337,910, A>G. VCF-style: chr13-32337910-A-G. GRCh37 (hg19) VCF-style: chr13-32912047-A-G.
Identifiers: ClinVar variation 232193 (VCV000232193.18), dbSNP rs876659609, ClinGen allele CA10579582.

ClinVar aggregate classification (germline): Likely benign. Review status: reviewed by expert panel (3 of 4 stars). 5 submissions from 5 submitters: Likely benign (1). 4 of the submissions do not count toward it. Last evaluated 2017-06-29.

Conditions:
Hereditary cancer-predisposing syndrome. Also called: Hereditary Cancer Syndrome; Neoplastic Syndromes, Hereditary; Tumor predisposition; Hereditary neoplastic syndrome. Identifiers: Orphanet 140162, MedGen C0027672, MeSH D009386, MONDO:0015356.
Breast-ovarian cancer, familial, susceptibility to, 2 (BROVCA2). Also called: BRCA2 Hereditary Breast and Ovarian Cancer. Identifiers: Orphanet 145, MedGen C2675520, MONDO:0012933, OMIM 612555. Disease mechanism: loss of function.
Hereditary breast ovarian cancer syndrome. Also called: Hereditary breast and/or ovarian cancer syndrome; BRCA1- and BRCA2-Associated Hereditary Breast and Ovarian Cancer; Hereditary breast and ovarian cancer syndrome (HBOC); Hereditary breast and ovarian cancer; Hereditary breast and ovarian cancer syndrome; Breast and ovarian cancer. Identifiers: Orphanet 145, MedGen C0677776, MeSH D061325, MONDO:0003582. Disease mechanism: loss of function.

Allele frequency attached by ClinVar (database versions not stated): gnomAD exomes below 0.00001.
gnomAD v4.1: 1 of 1,614,150 alleles (0.000062%); highest among the groups gnomAD compares: Non-Finnish European, 0.000085%; no homozygotes.

Submissions (5):

Evidence-based Network for the Interpretation of Germline Mutant Alleles (ENIGMA)
Classification: Likely benign for Breast-ovarian cancer, familial, susceptibility to, 2. Last evaluated: 2017-06-29. Review status: reviewed by expert panel. Criteria: ENIGMA BRCA1/2 Classification Criteria (2017-06-29). Collection method: curation. Allele origin: germline.
Comment: Synonymous substitution variant, with low bioinformatic likelihood to result in a splicing aberration (Splicing prior probability 0.02).

All of Us Research Program, National Institutes of Health
Classification: Likely benign for Breast-ovarian cancer, familial, susceptibility to, 2. Last evaluated: 2023-06-26. Review status: criteria provided, single submitter. Criteria: ACMG Guidelines, 2015. Collection method: clinical testing. Allele origin: germline. Inheritance: Autosomal dominant inheritance. Observed: 2 variant alleles, 2 heterozygotes. Not counted in ClinVar's aggregate classification.
Comment: This study involves interpretation of variants in research participants for the purpose of population health screening. Participant phenotype was not available at the time of variant classification. Additional details can be found in publication PMID: 35346344, PMCID: PMC8962531

Labcorp Genetics (formerly Invitae), Labcorp
Classification: Likely benign for Hereditary breast ovarian cancer syndrome. Last evaluated: 2023-02-08. Review status: criteria provided, single submitter. Criteria: Invitae Variant Classification Sherloc (09022015). Collection method: clinical testing. Allele origin: germline. Not counted in ClinVar's aggregate classification.

Color Diagnostics, LLC DBA Color Health
Classification: Likely benign for Hereditary cancer-predisposing syndrome. Last evaluated: 2017-04-11. Review status: criteria provided, single submitter. Criteria: ACMG Guidelines, 2015. Collection method: clinical testing. Allele origin: germline. Not counted in ClinVar's aggregate classification.

Ambry Genetics
Classification: Likely benign for Hereditary cancer-predisposing syndrome. Last evaluated: 2015-06-04. Review status: criteria provided, single submitter. Criteria: Ambry Variant Classification Scheme 2023. Collection method: clinical testing. Allele origin: germline. Not counted in ClinVar's aggregate classification.